The following is an entry in ClinVar:

ClinVar aggregate classification (germline): Pathogenic/Likely pathogenic. Review status: criteria provided, multiple submitters, no conflicts (2 of 4 stars). 4 submissions from 4 submitters: Pathogenic (2); Likely pathogenic (2). Last evaluated 2025-09-02.

Conditions:
Usher syndrome type 2C. Also called: Usher syndrome, type 2B; USHER SYNDROME, TYPE IIC. Identifiers: Orphanet 231178, Orphanet 886, MedGen C2931213, MONDO:0011558, OMIM 605472.
ADGRV1-related disorder. Also called: ADGRV1-related disorders; ADGRV1-related condition.

Allele frequency attached by ClinVar (database versions not stated): TOPMed below 0.00001; gnomAD 0.00001.
gnomAD v4.1: 20 of 1,543,454 alleles (0.0013%); highest among the groups gnomAD compares: Non-Finnish European, 0.0018%; no homozygotes.

Submissions (4):

Labcorp Genetics (formerly Invitae), Labcorp
Classification: Pathogenic. Last evaluated: 2025-09-02. Review status: criteria provided, single submitter. Criteria: Invitae Variant Classification Sherloc (09022015). Collection method: clinical testing. Allele origin: germline.
Comment: This sequence change affects a donor splice site in intron 73 of the ADGRV1 gene. It is expected to disrupt RNA splicing. Variants that disrupt the donor or acceptor splice site typically lead to a loss of protein function (PMID: 16199547), and loss-of-function variants in ADGRV1 are known to be pathogenic (PMID: 19357117, 22135276, 22147658, 26226137, 30718709, 31047384, 32467589). This variant is present in population databases (rs780011571, gnomAD 0.002%). Disruption of this splice site has been observed in individuals with retinitis pigmentosa (PMID: 34906470; internal data). ClinVar contains an entry for this variant (Variation ID: 1065641). Algorithms developed to predict the effect of sequence changes on RNA splicing suggest that this variant may disrupt the consensus splice site. For these reasons, this variant has been classified as Pathogenic.

GeneDx
Classification: Likely pathogenic. Last evaluated: 2023-07-25. Review status: criteria provided, single submitter. Criteria: GeneDx Variant Classification Process June 2021. Collection method: clinical testing. Allele origin: germline. Affected: yes.
Comment: Canonical splice site variant predicted to result in a null allele in a gene for which loss-of-function is a known mechanism of disease; Not observed at significant frequency in large population cohorts (gnomAD); Has not been previously published as pathogenic or benign to our knowledge; This variant is associated with the following publications: (PMID: 31964843)

Blueprint Genetics
Classification: Pathogenic for ADGRV1-related disorders. Last evaluated: 2022-06-22. Review status: criteria provided, single submitter. Criteria: ACMG Guidelines, 2015. Collection method: clinical testing. Allele origin: germline. Affected: yes. Observed: 5 variant alleles.

Ocular Genomics Institute, Massachusetts Eye and Ear
Classification: Likely pathogenic for Usher syndrome type 2C. Last evaluated: 2021-04-08. Review status: criteria provided, single submitter. Criteria: ACMG Guidelines, 2015. Collection method: research. Allele origin: germline. Affected: yes.
Comment: Through a review of available evidence we were able to apply the following criteria: PVS1, PM2. Based on this evidence we have classified this variant as Likely Pathogenic.

Literature cited by the submitters: PubMed 16199547 (cited by Labcorp Genetics (formerly Invitae), Labcorp); PubMed 19357117 (cited by Labcorp Genetics (formerly Invitae), Labcorp); PubMed 22135276 (cited by Labcorp Genetics (formerly Invitae), Labcorp); PubMed 22147658 (cited by Labcorp Genetics (formerly Invitae), Labcorp); PubMed 26226137 (cited by Labcorp Genetics (formerly Invitae), Labcorp); PubMed 30718709 (cited by Labcorp Genetics (formerly Invitae), Labcorp); PubMed 31047384 (cited by Labcorp Genetics (formerly Invitae), Labcorp); PubMed 32467589 (cited by Labcorp Genetics (formerly Invitae), Labcorp); PubMed 34906470 (cited by Labcorp Genetics (formerly Invitae), Labcorp).

NM_032119.4(ADGRV1):c.14972+1G>T

Gene: ADGRV1 (adhesion G protein-coupled receptor V1; plus strand). Cytogenetic location: 5q14.3.
Variant type: single nucleotide variant.
Coding change: c.14972+1G>T on transcript NM_032119.4 (MANE Select); the canonical splice donor site of the intron after coding-DNA position 14972, G replaced by T.
Molecular consequence: splice donor variant.
Genome position (GRCh38, 1-based): chr5:90,807,738, G>T. VCF-style: chr5-90807738-G-T. GRCh37 (hg19) VCF-style: chr5-90103555-G-T.
Identifiers: ClinVar variation 1065641 (VCV001065641.8), dbSNP rs780011571, ClinGen allele CA3341846.